The following is an entry in ClinVar:

NM_018975.4(TERF2IP):c.328G>A (p.Gly110Ser)

Gene: TERF2IP (TERF2 interacting protein; plus strand). Cytogenetic location: 16q23.1.
Variant type: single nucleotide variant.
Coding change: c.328G>A on transcript NM_018975.4 (MANE Select); coding-DNA position 328, G replaced by A.
Protein change: p.Gly110Ser; replaces glycine 110 with serine.
Molecular consequence: missense variant. On other transcripts: non-coding transcript variant (1).
Genome position (GRCh38, 1-based): chr16:75,648,210, G>A. VCF-style: chr16-75648210-G-A. GRCh37 (hg19) VCF-style: chr16-75682108-G-A.
Other names: short protein forms G110S.
Identifiers: ClinVar variation 3325458 (VCV003325458.1).
Genomic context (GRCh38, chr16:75,648,210, plus strand): 5'-CGCAACGAGAGGCTGGAGCTGGAGGCCTATCGGCTGGGCCCCGCCTCGGCGGCGGACACC[G>A]GCTCGGAAGCAAAGCCCGGGGCCCTGGCCGAGGGCGCCGCGGAGCCGGAGCCGCAGCGGC-3'
Protein context (NP_061848.2, residues 100-120): RLGPASAADT[Gly110Ser]SEAKPGALAE

ClinVar aggregate classification (germline): Uncertain significance (1 of 4 stars; one submission).

Submission:

Ambry Genetics
Classification: Uncertain significance. Last evaluated: 2024-05-08. Review status: criteria provided, single submitter. Criteria: Ambry Variant Classification Scheme 2023. Collection method: clinical testing. Allele origin: germline.
Comment: The p.G110S variant (also known as c.328G>A), located in coding exon 1 of the TERF2IP gene, results from a G to A substitution at nucleotide position 328. The glycine at codon 110 is replaced by serine, an amino acid with similar properties. This amino acid position is conserved. In addition, this alteration is predicted to be tolerated by in silico analysis. Based on the available evidence, the clinical significance of this variant remains unclear.